The following is an entry in ClinVar:

ClinVar aggregate classification (germline): Uncertain significance. Review status: criteria provided, multiple submitters, no conflicts (2 of 4 stars). 2 submissions from 2 submitters: Uncertain significance (2). Last evaluated 2022-08-12.

Allele frequency attached by ClinVar (database versions not stated): gnomAD exomes below 0.00001; ExAC 0.00001.
gnomAD v4.1: 2 of 1,613,556 alleles (0.00012%); highest among the groups gnomAD compares: East Asian, 0.0022%; no homozygotes.

Submissions (2):

Labcorp Genetics (formerly Invitae), Labcorp
Classification: Uncertain significance. Last evaluated: 2022-08-12. Review status: criteria provided, single submitter. Criteria: Invitae Variant Classification Sherloc (09022015). Collection method: clinical testing. Allele origin: germline.
Comment: Algorithms developed to predict the effect of missense changes on protein structure and function are either unavailable or do not agree on the potential impact of this missense change (SIFT: "Deleterious"; PolyPhen-2: "Probably Damaging"; Align-GVGD: "Class C0"). In summary, the available evidence is currently insufficient to determine the role of this variant in disease. Therefore, it has been classified as a Variant of Uncertain Significance. ClinVar contains an entry for this variant (Variation ID: 1306336). This variant has not been reported in the literature in individuals affected with TSEN54-related conditions. This variant is present in population databases (rs770694652, gnomAD 0.006%). This sequence change replaces glycine, which is neutral and non-polar, with serine, which is neutral and polar, at codon 124 of the TSEN54 protein (p.Gly124Ser).

GeneDx
Classification: Uncertain significance. Last evaluated: 2019-06-04. Review status: criteria provided, single submitter. Criteria: GeneDx Variant Classification Process June 2021. Collection method: clinical testing. Allele origin: germline. Affected: yes.
Comment: Not observed at a significant frequency in large population cohorts (Lek et al., 2016); In silico analysis, which includes protein predictors and evolutionary conservation, supports a deleterious effect; In-silico analysis, which includes splice predictors and evolutionary conservation, is inconclusive as to whether the variant alters gene splicing. In the absence of RNA/functional studies, the actual effect of this sequence change is unknown.; Has not been previously published as pathogenic or benign to our knowledge

NM_207346.3(TSEN54):c.370G>A (p.Gly124Ser)

Gene: TSEN54 (tRNA splicing endonuclease subunit 54; plus strand). Cytogenetic location: 17q25.1.
Variant type: single nucleotide variant.
Coding change: c.370G>A on transcript NM_207346.3 (MANE Select); coding-DNA position 370, G replaced by A.
Protein change: p.Gly124Ser; replaces glycine 124 with serine.
Molecular consequence: missense variant.
Genome position (GRCh38, 1-based): chr17:75,517,557, G>A. VCF-style: chr17-75517557-G-A. GRCh37 (hg19) VCF-style: chr17-73513638-G-A.
Other names: short protein forms G124S.
Identifiers: ClinVar variation 1306336 (VCV001306336.6), dbSNP rs770694652, ClinGen allele CA8764087.